The following is an entry in ClinVar:

ClinVar aggregate classification (germline): Uncertain significance (1 of 4 stars; one submission).

Conditions:
Autosomal recessive mendelian susceptibility to mycobacterial diseases due to complete RORgamma receptor deficiency. Also called: Immunodeficiency 42. Identifiers: Orphanet 477857, MedGen C5567647, MONDO:0014710, OMIM 616622.

Allele frequency attached by ClinVar (database versions not stated): ExAC 0.00001; TOPMed 0.00002; gnomAD 0.00003; gnomAD exomes 0.00004; ESP Exome Variant Server 0.00008.
gnomAD v4.1: 63 of 1,614,042 alleles (0.0039%); highest among the groups gnomAD compares: African/African-American, 0.008%; no homozygotes.

Submission:

Labcorp Genetics (formerly Invitae), Labcorp
Classification: Uncertain significance for Autosomal recessive mendelian susceptibility to mycobacterial diseases due to complete RORgamma receptor deficiency. Last evaluated: 2022-07-02. Review status: criteria provided, single submitter. Criteria: Invitae Variant Classification Sherloc (09022015). Collection method: clinical testing. Allele origin: germline.
Comment: This sequence change replaces serine, which is neutral and polar, with leucine, which is neutral and non-polar, at codon 199 of the RORC protein (p.Ser199Leu). This variant is present in population databases (rs141253212, gnomAD 0.008%). This variant has not been reported in the literature in individuals affected with RORC-related conditions. Algorithms developed to predict the effect of missense changes on protein structure and function output the following: SIFT: "Tolerated"; PolyPhen-2: "Benign"; Align-GVGD: "Class C0". The leucine amino acid residue is found in multiple mammalian species, which suggests that this missense change does not adversely affect protein function. In summary, the available evidence is currently insufficient to determine the role of this variant in disease. Therefore, it has been classified as a Variant of Uncertain Significance.

NM_005060.4(RORC):c.596C>T (p.Ser199Leu)

Gene: RORC (RAR related orphan receptor C; minus strand). Cytogenetic location: 1q21.3.
Variant type: single nucleotide variant.
Coding change: c.596C>T on transcript NM_005060.4 (MANE Select); coding-DNA position 596, C replaced by T.
Protein change: p.Ser199Leu; replaces serine 199 with leucine.
Molecular consequence: missense variant.
Genome position (GRCh38, 1-based): chr1:151,815,128, G>A on the plus strand (C>T on the coding strand, the complement: RORC is on the minus strand). VCF-style: chr1-151815128-G-A. GRCh37 (hg19) VCF-style: chr1-151787604-G-A.
Other names: c.533C>T, p.Ser178Leu (NM_001001523.2); short protein forms S178L, S199L.
Identifiers: ClinVar variation 2063962 (VCV002063962.1), dbSNP rs141253212, ClinGen allele CA1095897.
Genomic context (GRCh38, chr1:151,815,128, plus strand): 5'-CTATAGAAGCTCTCTCTGCCCTCAGCCTTGCCCCGCTCAGGGCTGTATTCAAGGTGGCAT[G>A]AGGCCCCATTGAGCCCTGCCTTGGCCAAGTTGTTGGAATATGAGGGCCCAGAGCCTGAGG-3'
Protein context (NP_005051.2, residues 189-209): NLAKAGLNGA[Ser199Leu]CHLEYSPERG